The following is an entry in ClinVar:

NM_014585.6(SLC40A1):c.238G>A (p.Gly80Ser)

Gene: SLC40A1 (solute carrier family 40 member 1; minus strand). Cytogenetic location: 2q32.2.
Variant type: single nucleotide variant.
Coding change: c.238G>A on transcript NM_014585.6 (MANE Select); coding-DNA position 238, G replaced by A.
Protein change: p.Gly80Ser; replaces glycine 80 with serine.
Molecular consequence: missense variant.
Genome position (GRCh38, 1-based): chr2:189,575,194, C>T on the plus strand (G>A on the coding strand, the complement: SLC40A1 is on the minus strand). VCF-style: chr2-189575194-C-T. GRCh37 (hg19) VCF-style: chr2-190439920-C-T.
Other names: short protein forms G80S.
Identifiers: ClinVar variation 986324 (VCV000986324.10), dbSNP rs978427853, ClinGen allele CA62904035.

ClinVar aggregate classification (germline): Pathogenic/Likely pathogenic. Review status: criteria provided, multiple submitters, no conflicts (2 of 4 stars). 2 submissions from 2 submitters: Pathogenic (1); Likely pathogenic (1). Last evaluated 2026-01-24.

Conditions:
Hemochromatosis type 4 (HFE4). Also called: Ferroportin disease; HEMOCHROMATOSIS DUE TO DEFECT IN FERROPORTIN; HEMOCHROMATOSIS, AUTOSOMAL DOMINANT. Identifiers: Orphanet 139491, Orphanet 647834, Orphanet 648562, MedGen C1853733, MONDO:0011631, OMIM 606069.

Allele frequency attached by ClinVar (database versions not stated): gnomAD exomes below 0.00001.

Submissions (2):

Labcorp Genetics (formerly Invitae), Labcorp
Classification: Pathogenic for Hemochromatosis type 4. Last evaluated: 2026-01-24. Review status: criteria provided, single submitter. Criteria: Invitae Variant Classification Sherloc (09022015). Collection method: clinical testing. Allele origin: germline.
Comment: This sequence change replaces glycine, which is neutral and non-polar, with serine, which is neutral and polar, at codon 80 of the SLC40A1 protein (p.Gly80Ser). This variant is not present in population databases (gnomAD no frequency). This missense change has been observed in individuals with ferroportin disease (PMID: 16135412, 16885049, 21094556, 21199650, 24714983). It has also been observed to segregate with disease in related individuals. ClinVar contains an entry for this variant (Variation ID: 986324). Invitae Evidence Modeling of protein sequence and biophysical properties (such as structural, functional, and spatial information, amino acid conservation, physicochemical variation, residue mobility, and thermodynamic stability) indicates that this missense variant is expected to disrupt SLC40A1 protein function with a positive predictive value of 95%. Experimental studies are conflicting or provide insufficient evidence to determine the effect of this variant on SLC40A1 function (PMID: 16885049, 21094556, 24714983). For these reasons, this variant has been classified as Pathogenic.

Laboratory of Molecular Genetics and Genomics, Rennes University Hospital
Classification: Likely pathogenic for Hemochromatosis type 4. Last evaluated: 2020-07-01. Review status: criteria provided, single submitter. Criteria: ACMG Guidelines, 2015. Collection method: clinical testing. Allele origin: germline. Affected: yes.

Literature cited by the submitters: PubMed 16135412 (cited by Labcorp Genetics (formerly Invitae), Labcorp); PubMed 16885049 (cited by Labcorp Genetics (formerly Invitae), Labcorp); PubMed 21094556 (cited by Labcorp Genetics (formerly Invitae), Labcorp); PubMed 21199650 (cited by Labcorp Genetics (formerly Invitae), Labcorp and Laboratory of Molecular Genetics and Genomics, Rennes University Hospital); PubMed 24714983 (cited by Labcorp Genetics (formerly Invitae), Labcorp).